The following is an entry in ClinVar:

NM_001365951.3(KIF1B):c.3912C>A (p.Ser1304Arg)

Gene: KIF1B (kinesin family member 1B; plus strand). Cytogenetic location: 1p36.22.
Variant type: single nucleotide variant.
Coding change: c.3912C>A on transcript NM_001365951.3 (MANE Select); coding-DNA position 3912, C replaced by A.
Protein change: p.Ser1304Arg; replaces serine 1304 with arginine.
Molecular consequence: missense variant.
Genome position (GRCh38, 1-based): chr1:10,348,696, C>A. VCF-style: chr1-10348696-C-A. GRCh37 (hg19) VCF-style: chr1-10408754-C-A.
Other names: c.3912C>A, p.Ser1304Arg (NM_001365952.1); c.3774C>A, p.Ser1258Arg (NM_015074.3); short protein forms S1304R, S1258R.
Identifiers: ClinVar variation 4043132 (VCV004043132.1).
Genomic context (GRCh38, chr1:10,348,696, plus strand): 5'-CTTCATTACCTAGGGCATCCAGCGAAGGATCACAGTGACCATTATCCATGAGAAGGGGAG[C>A]GAGCTCCATTGGAAAGATGTTCGTGAACTGGTGGTAGGTGAGTACGTTTCATCAGCCAAG-3'
Protein context (NP_001352880.1, residues 1294-1314): ITVTIIHEKG[Ser1304Arg]ELHWKDVREL

ClinVar aggregate classification (germline): Uncertain significance (1 of 4 stars; one submission).

Submission:

Ambry Genetics
Classification: Uncertain significance. Last evaluated: 2025-05-16. Review status: criteria provided, single submitter. Criteria: Ambry Variant Classification Scheme 2023. Collection method: clinical testing. Allele origin: germline.
Comment: The p.S1258R variant (also known as c.3774C>A), located in coding exon 34 of the KIF1B gene, results from a C to A substitution at nucleotide position 3774. The serine at codon 1258 is replaced by arginine, an amino acid with dissimilar properties. This amino acid position is conserved. In addition, this alteration is predicted to be tolerated by in silico analysis. Based on the available evidence, the clinical significance of this variant remains unclear.